The following is an entry in ClinVar:

NM_001433706.1(NLRP8):c.368-197C>A

Gene: NLRP8 (NLR family pyrin domain containing 8; plus strand). Cytogenetic location: 19q13.43.
Variant type: single nucleotide variant.
Coding change: c.368-197C>A on transcript NM_001433706.1 (MANE Select); 197 bases into the intron before coding-DNA position 368, C replaced by A.
Molecular consequence: intron variant.
Genome position (GRCh38, 1-based): chr19:55,952,341, C>A. VCF-style: chr19-55952341-C-A. GRCh37 (hg19) VCF-style: chr19-56463707-C-A.
Other names: NM_176811.2:c.368-197C>A; c.368-197C>A (NM_001317000.1).
Identifiers: ClinVar variation 103331 (VCV000103331.2), dbSNP rs199475834, ClinGen allele CA230427.

ClinVar aggregate classification (germline): not provided (0 of 4 stars; one submission).

Allele frequency attached by ClinVar (database versions not stated): TOPMed 0.00026; gnomAD 0.00029 and 0.00030.
gnomAD v4.1: 43 of 152,222 alleles (0.028%); highest among the groups gnomAD compares: Admixed American, 0.28%; no homozygotes.

Submission:

Human Evolutionary Genetics, Institut Pasteur
No classification provided. Review status: no classification provided. Collection method: not provided. Allele origin: germline.
ClinVar note: Converted during submission from untested to not provided.